The following is an entry in ClinVar:

NM_006415.4(SPTLC1):c.28C>G (p.Leu10Val)

Gene: SPTLC1 (serine palmitoyltransferase long chain base subunit 1; minus strand). Cytogenetic location: 9q22.31.
Variant type: single nucleotide variant.
Coding change: c.28C>G on transcript NM_006415.4 (MANE Select); coding-DNA position 28, C replaced by G.
Protein change: p.Leu10Val; replaces leucine 10 with valine.
Molecular consequence: missense variant. On other transcripts: 5 prime UTR variant (2).
Genome position (GRCh38, 1-based): chr9:92,115,343, G>C on the plus strand (C>G on the coding strand, the complement: SPTLC1 is on the minus strand). VCF-style: chr9-92115343-G-C. GRCh37 (hg19) VCF-style: chr9-94877625-G-C.
Other names: c.28C>G, p.Leu10Val (NM_001281303.2, NM_178324.3); c.-472C>G (NM_001368272.1); c.-583C>G (NM_001368273.1); short protein forms L10V.
Identifiers: ClinVar variation 1797412 (VCV001797412.2), dbSNP rs1443011575, ClinGen allele CA373797578.

ClinVar aggregate classification (germline): Uncertain significance (1 of 4 stars; one submission).

Conditions:
Inborn genetic diseases. Identifiers: MedGen C0950123, MeSH D030342.

gnomAD v4.1: 1 of 1,612,870 alleles (0.000062%); highest among the groups gnomAD compares: South Asian, 0.0011%; no homozygotes.

Submission:

Ambry Genetics
Classification: Uncertain significance for Inborn genetic diseases. Last evaluated: 2021-12-29. Review status: criteria provided, single submitter. Criteria: Ambry Variant Classification Scheme 2023. Collection method: clinical testing. Allele origin: germline.
Comment: The p.L10V variant (also known as c.28C>G), located in coding exon 1 of the SPTLC1 gene, results from a C to G substitution at nucleotide position 28. The leucine at codon 10 is replaced by valine, an amino acid with highly similar properties. This amino acid position is conserved. In addition, the in silico prediction for this alteration is inconclusive. Since supporting evidence is limited at this time, the clinical significance of this alteration remains unclear.